The following is an entry in ClinVar:

NM_002890.3(RASA1):c.1369A>G (p.Lys457Glu)

Genes: CCNH (cyclin H; minus strand), RASA1 (RAS p21 protein activator 1; plus strand). Cytogenetic location: 5q14.3.
Variant type: single nucleotide variant.
Coding change: c.1369A>G on transcript NM_002890.3 (MANE Select); coding-DNA position 1369, A replaced by G.
Protein change: p.Lys457Glu; replaces lysine 457 with glutamic acid.
Molecular consequence: missense variant. On other transcripts: intron variant (1).
Genome position (GRCh38, 1-based): chr5:87,362,587, A>G. VCF-style: chr5-87362587-A-G. GRCh37 (hg19) VCF-style: chr5-86658404-A-G.
Other names: c.838A>G, p.Lys280Glu (NM_022650.3); c.933+32457T>C (NM_001364075.2); short protein forms K457E, K280E.
Identifiers: ClinVar variation 4768688 (VCV004768688.1).

ClinVar aggregate classification (germline): Uncertain significance (1 of 4 stars; one submission).

Conditions:
Capillary malformation-arteriovenous malformation syndrome. Also called: Capillary malformation-arteriovenous malformation. Identifiers: Orphanet 137667, MedGen C1842180, MONDO:0012016.

Submission:

Labcorp Genetics (formerly Invitae), Labcorp
Classification: Uncertain significance for Capillary malformation-arteriovenous malformation syndrome. Last evaluated: 2025-10-06. Review status: criteria provided, single submitter. Criteria: Invitae Variant Classification Sherloc (09022015). Collection method: clinical testing. Allele origin: germline.
Comment: This sequence change replaces lysine, which is basic and polar, with glutamic acid, which is acidic and polar, at codon 457 of the RASA1 protein (p.Lys457Glu). This variant is not present in population databases (gnomAD no frequency). This variant has not been reported in the literature in individuals affected with RASA1-related conditions. An algorithm developed to predict the effect of missense changes on protein structure and function (PolyPhen-2) suggests that this variant is likely to be tolerated. In summary, the available evidence is currently insufficient to determine the role of this variant in disease. Therefore, it has been classified as a Variant of Uncertain Significance.